The following is an entry in ClinVar:

NM_016507.4(CDK12):c.680G>C (p.Trp227Ser)

Genes: CDK12 (cyclin dependent kinase 12; plus strand), LOC126862553 (CDK7 strongly-dependent group 2 enhancer GRCh37_chr17:37618166-37619365; plus strand). Cytogenetic location: 17q12.
Variant type: single nucleotide variant.
Coding change: c.680G>C on transcript NM_016507.4 (MANE Select); coding-DNA position 680, G replaced by C.
Protein change: p.Trp227Ser; replaces tryptophan 227 with serine.
Molecular consequence: missense variant.
Genome position (GRCh38, 1-based): chr17:39,462,751, G>C. VCF-style: chr17-39462751-G-C. GRCh37 (hg19) VCF-style: chr17-37619004-G-C.
Other names: c.680G>C, p.Trp227Ser (NM_015083.4); short protein forms W227S.
Identifiers: ClinVar variation 3830750 (VCV003830750.1).
Genomic context (GRCh38, chr17:39,462,751, plus strand): 5'-CCAAAAGTTACAAAACAGTGGACAGCCCAAAACGGAGATCCAGGAGCCCCCACAGGAAGT[G>C]GTCTGACAGCTCCAAACAAGATGATAGCCCCTCGGGAGCTTCTTATGGCCAAGATTATGA-3'
Protein context (NP_057591.2, residues 217-237): KRRSRSPHRK[Trp227Ser]SDSSKQDDSP

ClinVar aggregate classification (germline): Uncertain significance (1 of 4 stars; one submission).

gnomAD v4.1: 2 of 1,614,110 alleles (0.00012%); highest among the groups gnomAD compares: Non-Finnish European, 0.00017%; no homozygotes.

Submission:

Ambry Genetics
Classification: Uncertain significance. Last evaluated: 2025-03-05. Review status: criteria provided, single submitter. Criteria: Ambry Variant Classification Scheme 2023. Collection method: clinical testing. Allele origin: germline.
Comment: The p.W227S variant (also known as c.680G>C), located in coding exon 1 of the CDK12 gene, results from a G to C substitution at nucleotide position 680. The tryptophan at codon 227 is replaced by serine, an amino acid with highly dissimilar properties. This amino acid position is conserved. In addition, this alteration is predicted to be tolerated by in silico analysis. Based on the available evidence, the clinical significance of this variant remains unclear.